The following is an entry in ClinVar:

ClinVar aggregate classification (germline): Uncertain significance (1 of 4 stars; one submission).

Conditions:
Neuropathy, hereditary sensory, type 2C. Also called: KIF1A-Related HSAN2 (HSAN2C); Hereditary sensory and autonomic neuropathy type IIC. Identifiers: Orphanet 970, MedGen C3280168, MONDO:0013634, OMIM 614213.
Hereditary spastic paraplegia 30. Identifiers: Orphanet 101010, MedGen C5235139, MONDO:0012476.
Intellectual disability, autosomal dominant 9 (NESCAVS). Also called: KIF1A-Related Neurodevelopmental Disorder; NESCAV SYNDROME. Identifiers: Orphanet 662367, MedGen C5393830, MONDO:0013656, OMIM 614255.

Submission:

Labcorp Genetics (formerly Invitae), Labcorp
Classification: Uncertain significance for Hereditary spastic paraplegia 30; Neuropathy, hereditary sensory, type 2C; Intellectual disability, autosomal dominant 9. Last evaluated: 2024-11-19. Review status: criteria provided, single submitter. Criteria: Invitae Variant Classification Sherloc (09022015). Collection method: clinical testing. Allele origin: germline.
Comment: This sequence change replaces glutamic acid, which is acidic and polar, with glutamine, which is neutral and polar, at codon 1586 of the KIF1A protein (p.Glu1586Gln). This variant is not present in population databases (gnomAD no frequency). This variant has not been reported in the literature in individuals affected with KIF1A-related conditions. Invitae Evidence Modeling of protein sequence and biophysical properties (such as structural, functional, and spatial information, amino acid conservation, physicochemical variation, residue mobility, and thermodynamic stability) indicates that this missense variant is not expected to disrupt KIF1A protein function with a negative predictive value of 95%. In summary, the available evidence is currently insufficient to determine the role of this variant in disease. Therefore, it has been classified as a Variant of Uncertain Significance.

NM_001244008.2(KIF1A):c.5059G>C (p.Glu1687Gln)

Gene: KIF1A (kinesin family member 1A; minus strand). Cytogenetic location: 2q37.3.
Variant type: single nucleotide variant.
Coding change: c.5059G>C on transcript NM_001244008.2 (MANE Select); coding-DNA position 5059, G replaced by C.
Protein change: p.Glu1687Gln; replaces glutamic acid 1687 with glutamine.
Molecular consequence: missense variant.
Genome position (GRCh38, 1-based): chr2:240,719,161, C>G on the plus strand (G>C on the coding strand, the complement: KIF1A is on the minus strand). VCF-style: chr2-240719161-C-G. GRCh37 (hg19) VCF-style: chr2-241658578-C-G.
Other names: c.4783G>C, p.Glu1595Gln (NM_001320705.2, NM_001379649.1); c.4810G>C, p.Glu1604Gln (NM_001330289.2); c.4858G>C, p.Glu1620Gln (NM_001330290.2, NM_001379648.1); c.5134G>C, p.Glu1712Gln (NM_001379631.1); c.5035G>C, p.Glu1679Gln (NM_001379632.1); c.5032G>C, p.Glu1678Gln (NM_001379633.1, NM_001379645.1); c.4885G>C, p.Glu1629Gln (NM_001379634.1); c.4882G>C, p.Glu1628Gln (NM_001379635.1, NM_001379646.1); and 7 more; short protein forms E1585Q, E1586Q, E1594Q, E1595Q, E1603Q, E1604Q, E1611Q, E1620Q.
Identifiers: ClinVar variation 3762892 (VCV003762892.2).